The following is an entry in ClinVar:

NM_001009944.3(PKD1):c.755C>T (p.Pro252Leu)

Gene: PKD1 (polycystin 1, transient receptor potential channel interacting; minus strand). Cytogenetic location: 16p13.3.
Variant type: single nucleotide variant.
Coding change: c.755C>T on transcript NM_001009944.3 (MANE Select); coding-DNA position 755, C replaced by T.
Protein change: p.Pro252Leu; replaces proline 252 with leucine.
Molecular consequence: missense variant.
Genome position (GRCh38, 1-based): chr16:2,118,237, G>A on the plus strand (C>T on the coding strand, the complement: PKD1 is on the minus strand). VCF-style: chr16-2118237-G-A. GRCh37 (hg19) VCF-style: chr16-2168238-G-A.
Other names: c.755C>T, p.Pro252Leu (NM_000296.4); short protein forms P252L.
Identifiers: ClinVar variation 3579812 (VCV003579812.2).

ClinVar aggregate classification (germline): Uncertain significance. Review status: criteria provided, multiple submitters, no conflicts (2 of 4 stars). 2 submissions from 2 submitters: Uncertain significance (2). Last evaluated 2025-03-27.

Conditions:
PKD1-related disorder. Also called: PKD1-related condition.
Polycystic kidney disease, adult type (PKD1). Also called: Polycystic Kidney Disease 1, Autosomal Dominant; Polycystic kidney disease 1; Polycystic kidney disease 1, severe; Polycystic Kidney, Autosomal Dominant; POLYCYSTIC KIDNEY DISEASE, ADULT, TYPE I; POLYCYSTIC KIDNEY DISEASE 1 WITH OR WITHOUT POLYCYSTIC LIVER DISEASE. Identifiers: MedGen C3149841, MONDO:0008263, OMIM 173900.

gnomAD v4.1: 41 of 1,529,268 alleles (0.0027%); highest among the groups gnomAD compares: South Asian, 0.0036%; no homozygotes.

Submissions (2):

PreventionGenetics, part of Exact Sciences
Classification: Uncertain significance for PKD1-related condition. Last evaluated: 2025-03-27. Review status: criteria provided, single submitter. Criteria: ACMG Guidelines, 2015. Collection method: clinical testing. Allele origin: germline.
Comment: The PKD1 c.755C>T variant is predicted to result in the amino acid substitution p.Pro252Leu. To our knowledge, this variant has not been reported in the literature. This variant is reported in 0.0094% of alleles in individuals of East Asian descent in gnomAD. At this time, the clinical significance of this variant is uncertain due to the absence of conclusive functional and genetic evidence.

Fulgent Genetics
Classification: Uncertain significance for Polycystic kidney disease, adult type. Last evaluated: 2024-06-11. Review status: criteria provided, single submitter. Criteria: ACMG Guidelines, 2015. Collection method: clinical testing. Allele origin: germline.